The following is an entry in ClinVar:

ClinVar aggregate classification (germline): Benign/Likely benign. Review status: criteria provided, multiple submitters, no conflicts (2 of 4 stars). 10 submissions from 10 submitters: Benign (5); Likely benign (3). 2 of the submissions do not count toward it. Last evaluated 2026-02-03.

Conditions:
History of neurodevelopmental disorder. Identifiers: MedGen C2711754.
Angelman syndrome-like. Identifiers: MedGen CN128785.
Developmental and epileptic encephalopathy, 2 (DEE2). Also called: CDKL5 deficiency disorder; INFANTILE SPASM SYNDROME, X-LINKED 2. Identifiers: Orphanet 1934, Orphanet 3451, Orphanet 505652, MedGen C4750718, MONDO:0010396, OMIM 300672.

Allele frequency attached by ClinVar (database versions not stated): gnomAD exomes 0.00053; ExAC 0.00058; 1000 Genomes Project 30x 0.00104; 1000 Genomes Project 0.00106; gnomAD 0.00182 and 0.00210; ESP Exome Variant Server 0.00199; TOPMed 0.00218.
gnomAD v4.1: 472 of 1,210,299 alleles (0.039%); highest among the groups gnomAD compares: African/African-American, 0.66%; 1 homozygote.

Submissions (10):

Labcorp Genetics (formerly Invitae), Labcorp
Classification: Benign for Developmental and epileptic encephalopathy, 2; Angelman syndrome-like. Last evaluated: 2026-02-03. Review status: criteria provided, single submitter. Criteria: Invitae Variant Classification Sherloc (09022015). Collection method: clinical testing. Allele origin: germline.

Blueprint Genetics
Classification: Likely benign. Last evaluated: 2024-09-09. Review status: criteria provided, single submitter. Criteria: ACMG Guidelines, 2015. Collection method: clinical testing. Allele origin: germline.

Athena Diagnostics
Classification: Benign. Last evaluated: 2017-03-29. Review status: criteria provided, single submitter. Criteria: Athena Diagnostics Criteria. Collection method: clinical testing. Allele origin: germline.

Ambry Genetics
Classification: Likely benign for History of neurodevelopmental disorder. Last evaluated: 2016-09-30. Review status: criteria provided, single submitter. Criteria: Ambry Autosomal Dominant and X-Linked criteria (10/2015). Collection method: clinical testing. Allele origin: germline. Observed: 1 variant allele.
Comment: Synonymous alterations with insufficient evidence to classify as benign

Genetic Services Laboratory, University of Chicago
Classification: Benign. Last evaluated: 2015-08-10. Review status: criteria provided, single submitter. Criteria: ACMG Guidelines, 2015. Collection method: clinical testing. Allele origin: germline.

Eurofins Ntd Llc (ga)
Classification: Benign. Last evaluated: 2015-02-11. Review status: criteria provided, single submitter. Criteria: EGL Classification Definitions 2015. Collection method: clinical testing. Allele origin: germline. Observed: 1 variant allele, 1 heterozygote.

GeneDx
Classification: Benign. Last evaluated: 2013-01-16. Review status: criteria provided, single submitter. Criteria: GeneDx Variant Classification (06012015). Collection method: clinical testing. Allele origin: germline. Affected: yes.
Comment: This variant is considered likely benign or benign based on one or more of the following criteria: it is a conservative change, it occurs at a poorly conserved position in the protein, it is predicted to be benign by multiple in silico algorithms, and/or has population frequency not consistent with disease.

Breakthrough Genomics
Classification: Likely benign. Review status: criteria provided, single submitter. Criteria: ACMG Guidelines, 2015. Collection method: not provided. Allele origin: germline. Inheritance: X-linked inheritance. Affected: yes.

Clinical Genetics DNA and cytogenetics Diagnostics Lab, Erasmus MC, Erasmus Medical Center
Classification: Benign. Review status: no assertion criteria provided. Collection method: clinical testing. Allele origin: germline. Affected: yes. Study: VKGL Data-share Consensus. Not counted in ClinVar's aggregate classification.

Genome Diagnostics Laboratory, University Medical Center Utrecht
Classification: Likely benign. Review status: no assertion criteria provided. Collection method: clinical testing. Allele origin: germline. Affected: yes. Study: VKGL Data-share Consensus. Not counted in ClinVar's aggregate classification.

NM_001323289.2(CDKL5):c.1332C>T (p.Arg444=)

Gene: CDKL5 (cyclin dependent kinase like 5; plus strand). Cytogenetic location: Xp22.13.
Variant type: single nucleotide variant.
Coding change: c.1332C>T on transcript NM_001323289.2 (MANE Select); coding-DNA position 1332, C replaced by T.
Protein change: p.Arg444=; no amino-acid change (arginine 444 retained).
Molecular consequence: synonymous variant.
Genome position (GRCh38, 1-based): chrX:18,604,256, C>T. VCF-style: chrX-18604256-C-T. GRCh37 (hg19) VCF-style: chrX-18622376-C-T.
Other names: p.R444R:CGC>CGT; c.1332C>T, p.Arg444= (NM_001037343.2, NM_003159.3).
Identifiers: ClinVar variation 136711 (VCV000136711.26), dbSNP rs150844616, ClinGen allele CA200937.